The following is an entry in ClinVar:

ClinVar aggregate classification (germline): Likely benign (1 of 4 stars; one submission).

Conditions:
CHD8-related disorder. Also called: CHD8-related disorders; CHD8-related condition.

Submission:

PreventionGenetics, part of Exact Sciences
Classification: Likely benign for CHD8-related condition. Last evaluated: 2024-11-21. Review status: criteria provided, single submitter. Criteria: ACMG Guidelines, 2015. Collection method: clinical testing. Allele origin: germline.
Comment: This variant is classified as likely benign based on ACMG/AMP sequence variant interpretation guidelines (Richards et al. 2015 PMID: 25741868, with internal and published modifications).

NM_001170629.2(CHD8):c.4204C>A (p.Arg1402=)

Gene: CHD8 (chromodomain helicase DNA binding protein 8; minus strand). Cytogenetic location: 14q11.2.
Variant type: single nucleotide variant.
Coding change: c.4204C>A on transcript NM_001170629.2 (MANE Select); coding-DNA position 4204, C replaced by A.
Protein change: p.Arg1402=; no amino-acid change (arginine 1402 retained).
Molecular consequence: synonymous variant.
Genome position (GRCh38, 1-based): chr14:21,401,041, G>T on the plus strand (C>A on the coding strand, the complement: CHD8 is on the minus strand). VCF-style: chr14-21401041-G-T. GRCh37 (hg19) VCF-style: chr14-21869200-G-T.
Other names: c.3367C>A, p.Arg1123= (NM_020920.4).
Identifiers: ClinVar variation 4997791 (VCV004997791.1).